The following is an entry in ClinVar:

ClinVar aggregate classification (germline): Uncertain significance (1 of 4 stars; one submission).

Conditions:
Inborn genetic diseases. Identifiers: MedGen C0950123, MeSH D030342.

Submission:

Ambry Genetics
Classification: Uncertain significance for Inborn genetic diseases. Last evaluated: 2025-10-28. Review status: criteria provided, single submitter. Criteria: Ambry Variant Classification Scheme 2023. Collection method: clinical testing. Allele origin: germline.
Comment: The p.E1500K variant (also known as c.4498G>A), located in coding exon 13 of the ASXL1 gene, results from a G to A substitution at nucleotide position 4498. The glutamic acid at codon 1500 is replaced by lysine, an amino acid with similar properties. This amino acid position is conserved. In addition, the in silico prediction for this alteration is inconclusive. Based on the available evidence, the clinical significance of this variant remains unclear.

NM_015338.6(ASXL1):c.4498G>A (p.Glu1500Lys)

Gene: ASXL1 (ASXL transcriptional regulator 1; plus strand). Cytogenetic location: 20q11.21.
Variant type: single nucleotide variant.
Coding change: c.4498G>A on transcript NM_015338.6 (MANE Select); coding-DNA position 4498, G replaced by A.
Protein change: p.Glu1500Lys; replaces glutamic acid 1500 with lysine.
Molecular consequence: missense variant.
Genome position (GRCh38, 1-based): chr20:32,437,210, G>A. VCF-style: chr20-32437210-G-A. GRCh37 (hg19) VCF-style: chr20-31025013-G-A.
Other names: c.4315G>A, p.Glu1439Lys (NM_001363734.1); short protein forms E1439K, E1500K.
Identifiers: ClinVar variation 4588201 (VCV004588201.1).